The following is an entry in ClinVar:

NM_003000.3(SDHB):c.399G>T (p.Met133Ile)

Gene: SDHB (succinate dehydrogenase complex iron sulfur subunit B; minus strand). Cytogenetic location: 1p36.13.
Variant type: single nucleotide variant.
Coding change: c.399G>T on transcript NM_003000.3 (MANE Select); coding-DNA position 399, G replaced by T.
Protein change: p.Met133Ile; replaces methionine 133 with isoleucine.
Molecular consequence: missense variant.
Genome position (GRCh38, 1-based): chr1:17,028,624, C>A on the plus strand (G>T on the coding strand, the complement: SDHB is on the minus strand). VCF-style: chr1-17028624-C-A. GRCh37 (hg19) VCF-style: chr1-17355119-C-A.
Other names: short protein forms M133I.
Identifiers: ClinVar variation 1469050 (VCV001469050.11), dbSNP rs201403014, ClinGen allele CA18666577.

ClinVar aggregate classification (germline): Uncertain significance. Review status: criteria provided, multiple submitters, no conflicts (2 of 4 stars). 2 submissions from 2 submitters: Uncertain significance (2). Last evaluated 2024-12-31.

Conditions:
Hereditary cancer-predisposing syndrome. Also called: Hereditary neoplastic syndrome; Tumor predisposition; Hereditary Cancer Syndrome; Neoplastic Syndromes, Hereditary. Identifiers: Orphanet 140162, MedGen C0027672, MeSH D009386, MONDO:0015356.
Gastrointestinal stromal tumor. Also called: Gastrointestinal stroma tumor; Gastrointestinal stromal tumor, somatic. Identifiers: Orphanet 44890, MedGen C0238198, MeSH D046152, MONDO:0011719, OMIM 606764, HP:0100723.
Pheochromocytoma/paraganglioma syndrome 4. Also called: CAROTID BODY TUMORS AND MULTIPLE EXTRAADRENAL PHEOCHROMOCYTOMAS; SDHB-Related Hereditary Paraganglioma-Pheochromocytoma Syndrome; PARAGANGLIOMA, FAMILIAL MALIGNANT; PARAGANGLIOMAS, HEREDITARY EXTRAADRENAL; PHEOCHROMOCYTOMA, FAMILIAL EXTRAADRENAL; Paragangliomas 4. Identifiers: Orphanet 29072, MedGen C1861848, MONDO:0007273, OMIM 115310.
Pheochromocytoma. Also called: MAX-Related Hereditary Paraganglioma-Pheochromocytoma Syndrome. Identifiers: Orphanet 29072, MedGen C0031511, MONDO:0008233, OMIM 171300, HP:0002666.

Allele frequency attached by ClinVar (database versions not stated): TOPMed below 0.00001; gnomAD 0.00001.

Submissions (2):

Ambry Genetics
Classification: Uncertain significance for Hereditary cancer-predisposing syndrome. Last evaluated: 2024-12-31. Review status: criteria provided, single submitter. Criteria: Ambry Variant Classification Scheme 2023. Collection method: clinical testing. Allele origin: germline.
Comment: The p.M133I variant (also known as c.399G>T), located in coding exon 4 of the SDHB gene, results from a G to T substitution at nucleotide position 399. The methionine at codon 133 is replaced by isoleucine, an amino acid with highly similar properties. This amino acid position is highly conserved in available vertebrate species. In addition, this alteration is predicted to be deleterious by in silico analysis. Based on the available evidence, the clinical significance of this variant remains unclear.

Labcorp Genetics (formerly Invitae), Labcorp
Classification: Uncertain significance for Gastrointestinal stromal tumor; Pheochromocytoma/paraganglioma syndrome 4; Pheochromocytoma. Last evaluated: 2020-12-12. Review status: criteria provided, single submitter. Criteria: Invitae Variant Classification Sherloc (09022015). Collection method: clinical testing. Allele origin: germline.
Comment: In summary, the available evidence is currently insufficient to determine the role of this variant in disease. Therefore, it has been classified as a Variant of Uncertain Significance. Advanced modeling of protein sequence and biophysical properties (such as structural, functional, and spatial information, amino acid conservation, physicochemical variation, residue mobility, and thermodynamic stability) performed at Invitae indicates that this missense variant is expected to disrupt SDHB protein function. This variant has not been reported in the literature in individuals with SDHB-related conditions. This variant is not present in population databases (ExAC no frequency). This sequence change replaces methionine with isoleucine at codon 133 of the SDHB protein (p.Met133Ile). The methionine residue is highly conserved and there is a small physicochemical difference between methionine and isoleucine.